The following is an entry in ClinVar:

ClinVar aggregate classification (germline): Uncertain significance. Review status: criteria provided, multiple submitters, no conflicts (2 of 4 stars). 2 submissions from 2 submitters: Uncertain significance (2). Last evaluated 2024-12-16.

Conditions:
Hereditary cancer-predisposing syndrome. Also called: Hereditary neoplastic syndrome; Hereditary Cancer Syndrome; Tumor predisposition; Neoplastic Syndromes, Hereditary. Identifiers: Orphanet 140162, MedGen C0027672, MeSH D009386, MONDO:0015356.

Submissions (2):

Ambry Genetics
Classification: Uncertain significance for Hereditary cancer-predisposing syndrome. Last evaluated: 2024-12-16. Review status: criteria provided, single submitter. Criteria: Ambry Variant Classification Scheme 2023. Collection method: clinical testing. Allele origin: germline.
Comment: The p.D292E variant (also known as c.876C>A), located in coding exon 6 of the CTNNA1 gene, results from a C to A substitution at nucleotide position 876. The aspartic acid at codon 292 is replaced by glutamic acid, an amino acid with highly similar properties. This amino acid position is conserved. In addition, this alteration is predicted to be tolerated by in silico analysis. Based on the available evidence, the clinical significance of this variant remains unclear.

Labcorp Genetics (formerly Invitae), Labcorp
Classification: Uncertain significance. Last evaluated: 2022-05-04. Review status: criteria provided, single submitter. Criteria: Invitae Variant Classification Sherloc (09022015). Collection method: clinical testing. Allele origin: germline.
Comment: In summary, the available evidence is currently insufficient to determine the role of this variant in disease. Therefore, it has been classified as a Variant of Uncertain Significance. Algorithms developed to predict the effect of missense changes on protein structure and function are either unavailable or do not agree on the potential impact of this missense change (SIFT: "Deleterious"; PolyPhen-2: "Benign"; Align-GVGD: "Class C0"). This variant has not been reported in the literature in individuals affected with CTNNA1-related conditions. This variant is not present in population databases (gnomAD no frequency). This sequence change replaces aspartic acid, which is acidic and polar, with glutamic acid, which is acidic and polar, at codon 292 of the CTNNA1 protein (p.Asp292Glu).

NM_001903.5(CTNNA1):c.876C>A (p.Asp292Glu)

Gene: CTNNA1 (catenin alpha 1; plus strand). Cytogenetic location: 5q31.2.
Variant type: single nucleotide variant.
Coding change: c.876C>A on transcript NM_001903.5 (MANE Select); coding-DNA position 876, C replaced by A.
Protein change: p.Asp292Glu; replaces aspartic acid 292 with glutamic acid.
Molecular consequence: missense variant.
Genome position (GRCh38, 1-based): chr5:138,827,532, C>A. VCF-style: chr5-138827532-C-A. GRCh37 (hg19) VCF-style: chr5-138163221-C-A.
Other names: c.876C>A (NM_001903.2); c.876C>A, p.Asp292Glu (NM_001290307.3, NM_001323982.2, NM_001323983.1 and 3 more transcripts); c.567C>A, p.Asp189Glu (NM_001290309.3); c.507C>A, p.Asp169Glu (NM_001290310.3); short protein forms D189E, D169E, D292E.
Identifiers: ClinVar variation 2133322 (VCV002133322.5), dbSNP rs900234146, ClinGen allele CA361130677.